The following is an entry in ClinVar:

NM_001374353.1(GLI2):c.4644C>T (p.Val1548=)

Gene: GLI2 (GLI family zinc finger 2; plus strand). Cytogenetic location: 2q14.2.
Variant type: single nucleotide variant.
Coding change: c.4644C>T on transcript NM_001374353.1 (MANE Select); coding-DNA position 4644, C replaced by T.
Protein change: p.Val1548=; no amino-acid change (valine 1548 retained).
Molecular consequence: synonymous variant.
Genome position (GRCh38, 1-based): chr2:120,990,609, C>T. VCF-style: chr2-120990609-C-T. GRCh37 (hg19) VCF-style: chr2-121748185-C-T.
Other names: c.4695C>T (NM_005270.4); c.4695C>T, p.Val1565= (NM_001371271.1, NM_005270.5); c.4269C>T, p.Val1423= (NM_001374354.1).
Identifiers: ClinVar variation 2172336 (VCV002172336.5), dbSNP rs202203798, ClinGen allele CA1852682.
Genomic context (GRCh38, chr2:120,990,609, plus strand): 5'-CACCCCCCGAAACTCCTTGACCCTGCCCTCCATCCCCGCAGGCATCAGCAACATGGCTGT[C>T]GGGGACATGAGCTCCATGCTCACCAGCCTCGCCGAGGAGAGCAAGTTCCTGAACATGATG-3'
Protein context (NP_001361282.1, residues 1538-1558): SIPAGISNMA[Val1548=]GDMSSMLTSL

ClinVar aggregate classification (germline): Likely benign. Review status: criteria provided, multiple submitters, no conflicts (2 of 4 stars). 2 submissions from 2 submitters: Likely benign (2). Last evaluated 2026-04-03.

Conditions:
GLI2-related disorder. Also called: GLI2-related condition; GLI2-related disorders.
Postaxial polydactyly-anterior pituitary anomalies-facial dysmorphism syndrome. Also called: Culler-Jones syndrome. Identifiers: Orphanet 420584, MedGen C4014479, MONDO:0014369, OMIM 615849.
Holoprosencephaly 9 (HPE9). Also called: PITUITARY ANOMALIES WITH HOLOPROSENCEPHALY-LIKE FEATURES; HOLOPROSENCEPHALY WITH MICROPHTHALMIA AND FIRST BRANCHIAL ARCH ANOMALIES. Identifiers: Orphanet 2162, MedGen C1835819, MONDO:0012563, OMIM 610829.

Allele frequency attached by ClinVar (database versions not stated): ExAC 0.00006; ESP Exome Variant Server 0.00015; TOPMed 0.00015; gnomAD 0.00018; 1000 Genomes Project 0.00040; 1000 Genomes Project 30x 0.00047.
gnomAD v4.1: 48 of 1,613,710 alleles (0.003%); highest among the groups gnomAD compares: African/African-American, 0.044%; no homozygotes.

Submissions (2):

PreventionGenetics, part of Exact Sciences
Classification: Likely benign for GLI2-related condition. Last evaluated: 2026-04-03. Review status: criteria provided, single submitter. Criteria: ACMG Guidelines, 2015. Collection method: clinical testing. Allele origin: germline.
Comment: This variant is classified as likely benign based on ACMG/AMP sequence variant interpretation guidelines (Richards et al. 2015 PMID: 25741868, with internal and published modifications).

Labcorp Genetics (formerly Invitae), Labcorp
Classification: Likely benign for Postaxial polydactyly-anterior pituitary anomalies-facial dysmorphism syndrome; Holoprosencephaly 9. Last evaluated: 2022-01-01. Review status: criteria provided, single submitter. Criteria: Invitae Variant Classification Sherloc (09022015). Collection method: clinical testing. Allele origin: germline.